The following is an entry in ClinVar:

NM_000057.4(BLM):c.1328C>G (p.Ser443Cys)

Gene: BLM (BLM RecQ like helicase; plus strand). Cytogenetic location: 15q26.1.
Variant type: single nucleotide variant.
Coding change: c.1328C>G on transcript NM_000057.4 (MANE Select); coding-DNA position 1328, C replaced by G.
Protein change: p.Ser443Cys; replaces serine 443 with cysteine.
Molecular consequence: missense variant.
Genome position (GRCh38, 1-based): chr15:90,760,701, C>G. VCF-style: chr15-90760701-C-G. GRCh37 (hg19) VCF-style: chr15-91303931-C-G.
Other names: c.1328C>G, p.Ser443Cys (NM_001287246.2, NM_001287247.2); c.203C>G, p.Ser68Cys (NM_001287248.2); short protein forms S68C, S443C.
Identifiers: ClinVar variation 2566817 (VCV002566817.2), dbSNP rs1009271024, ClinGen allele CA274738138.

ClinVar aggregate classification (germline): Uncertain significance (1 of 4 stars; one submission).

Conditions:
Hereditary cancer-predisposing syndrome. Also called: Hereditary neoplastic syndrome; Hereditary Cancer Syndrome; Neoplastic Syndromes, Hereditary; Tumor predisposition. Identifiers: Orphanet 140162, MedGen C0027672, MeSH D009386, MONDO:0015356.

Submission:

Ambry Genetics
Classification: Uncertain significance for Hereditary cancer-predisposing syndrome. Last evaluated: 2023-04-01. Review status: criteria provided, single submitter. Criteria: Ambry Variant Classification Scheme 2023. Collection method: clinical testing. Allele origin: germline.
Comment: The p.S443C variant (also known as c.1328C>G), located in coding exon 6 of the BLM gene, results from a C to G substitution at nucleotide position 1328. The serine at codon 443 is replaced by cysteine, an amino acid with dissimilar properties. This amino acid position is conserved. In addition, this alteration is predicted to be tolerated by in silico analysis. Since supporting evidence is limited at this time, the clinical significance of this alteration remains unclear.